The following is an entry in ClinVar:

NM_005732.4(RAD50):c.253C>A (p.Gln85Lys)

Gene: RAD50 (RAD50 double strand break repair protein; plus strand). Cytogenetic location: 5q31.1.
Variant type: single nucleotide variant.
Coding change: c.253C>A on transcript NM_005732.4 (MANE Select); coding-DNA position 253, C replaced by A.
Protein change: p.Gln85Lys; replaces glutamine 85 with lysine.
Molecular consequence: missense variant.
Genome position (GRCh38, 1-based): chr5:132,575,816, C>A. VCF-style: chr5-132575816-C-A. GRCh37 (hg19) VCF-style: chr5-131911508-C-A.
Other names: short protein forms Q85K.
Identifiers: ClinVar variation 1498523 (VCV001498523.8), dbSNP rs1342902715, ClinGen allele CA360930511.

ClinVar aggregate classification (germline): Uncertain significance (1 of 4 stars; one submission).

Conditions:
Hereditary cancer-predisposing syndrome. Also called: Tumor predisposition; Hereditary neoplastic syndrome; Neoplastic Syndromes, Hereditary; Hereditary Cancer Syndrome. Identifiers: Orphanet 140162, MedGen C0027672, MeSH D009386, MONDO:0015356.

Allele frequency attached by ClinVar (database versions not stated): gnomAD exomes below 0.00001 and 0.00001; gnomAD 0.00001.
gnomAD v4.1: 5 of 1,602,214 alleles (0.00031%); highest among the groups gnomAD compares: South Asian, 0.0055%; no homozygotes.

Submission:

Labcorp Genetics (formerly Invitae), Labcorp
Classification: Uncertain significance for Hereditary cancer-predisposing syndrome. Last evaluated: 2021-02-22. Review status: criteria provided, single submitter. Criteria: Invitae Variant Classification Sherloc (09022015). Collection method: clinical testing. Allele origin: germline.
Comment: This sequence change replaces glutamine with lysine at codon 85 of the RAD50 protein (p.Gln85Lys). The glutamine residue is moderately conserved and there is a small physicochemical difference between glutamine and lysine. This variant is not present in population databases (ExAC no frequency). In summary, the available evidence is currently insufficient to determine the role of this variant in disease. Therefore, it has been classified as a Variant of Uncertain Significance. Algorithms developed to predict the effect of missense changes on protein structure and function (SIFT, PolyPhen-2, Align-GVGD) all suggest that this variant is likely to be tolerated, but these predictions have not been confirmed by published functional studies and their clinical significance is uncertain. This variant has not been reported in the literature in individuals with RAD50-related conditions.